The following is an entry in ClinVar:

NM_001134363.3(RBM20):c.1904C>T (p.Ser635Phe)

Gene: RBM20 (RNA binding motif protein 20; plus strand). Cytogenetic location: 10q25.2.
Variant type: single nucleotide variant.
Coding change: c.1904C>T on transcript NM_001134363.3 (MANE Select); coding-DNA position 1904, C replaced by T.
Protein change: p.Ser635Phe; replaces serine 635 with phenylalanine.
Molecular consequence: missense variant.
Genome position (GRCh38, 1-based): chr10:110,812,301, C>T. VCF-style: chr10-110812301-C-T. GRCh37 (hg19) VCF-style: chr10-112572059-C-T.
Other names: short protein forms S635F.
Identifiers: ClinVar variation 1929423 (VCV001929423.5), dbSNP rs1114167331, ClinGen allele CA378370302.

ClinVar aggregate classification (germline): Uncertain significance (1 of 4 stars; one submission).

Conditions:
Dilated cardiomyopathy 1DD (CMD1DD). Identifiers: Orphanet 154, MedGen C2750995, MONDO:0013168, OMIM 613172.

Submission:

Labcorp Genetics (formerly Invitae), Labcorp
Classification: Uncertain significance for Dilated cardiomyopathy 1DD. Last evaluated: 2021-12-10. Review status: criteria provided, single submitter. Criteria: Invitae Variant Classification Sherloc (09022015). Collection method: clinical testing. Allele origin: germline.
Comment: Advanced modeling of protein sequence and biophysical properties (such as structural, functional, and spatial information, amino acid conservation, physicochemical variation, residue mobility, and thermodynamic stability) performed at Invitae indicates that this missense variant is expected to disrupt RBM20 protein function. In summary, the available evidence is currently insufficient to determine the role of this variant in disease. Therefore, it has been classified as a Variant of Uncertain Significance. This missense change has been observed in individual(s) with clinical features of dilated cardiomyopathy (PMID: 31737537). This sequence change replaces serine, which is neutral and polar, with phenylalanine, which is neutral and non-polar, at codon 635 of the RBM20 protein (p.Ser635Phe). This variant is not present in population databases (gnomAD no frequency).

Literature cited by the submitters: PubMed 31737537.